The following is an entry in ClinVar:

ClinVar aggregate classification (germline): Uncertain significance. Review status: criteria provided, multiple submitters, no conflicts (2 of 4 stars). 2 submissions from 2 submitters: Uncertain significance (2). Last evaluated 2023-08-11.

Submissions (2):

Blueprint Genetics
Classification: Uncertain significance. Last evaluated: 2023-08-11. Review status: criteria provided, single submitter. Criteria: ACMG Guidelines, 2015. Collection method: clinical testing. Allele origin: germline.

Laboratory for Molecular Medicine, Mass General Brigham Personalized Medicine
Classification: Uncertain significance. Last evaluated: 2019-07-09. Review status: criteria provided, single submitter. Criteria: LMM Criteria. Collection method: clinical testing. Allele origin: germline. Observed: 1 variant allele.
Comment: The p.Ile20Val variant in GRXCR1 has not been previously reported in individuals with hearing loss and was absent from large population studies. Computational prediction tools and conservation analyses suggest that this variant may not impact the protein, though this information is not predictive enough to rule out pathogenicity. In summary, the clinical significance of this variant is uncertain. ACMG/AMP Criteria applied: PM2, BP4.

NM_001080476.3(GRXCR1):c.58A>G (p.Ile20Val)

Gene: GRXCR1 (glutaredoxin and cysteine rich domain containing 1; plus strand). Cytogenetic location: 4p13.
Variant type: single nucleotide variant.
Coding change: c.58A>G on transcript NM_001080476.3 (MANE Select); coding-DNA position 58, A replaced by G.
Protein change: p.Ile20Val; replaces isoleucine 20 with valine.
Molecular consequence: missense variant.
Genome position (GRCh38, 1-based): chr4:42,893,324, A>G. VCF-style: chr4-42893324-A-G. GRCh37 (hg19) VCF-style: chr4-42895341-A-G.
Other names: short protein forms I20V.
Identifiers: ClinVar variation 930003 (VCV000930003.5), dbSNP rs1746274698, ClinGen allele CA356790992.
Genomic context (GRCh38, chr4:42,893,324, plus strand): 5'-ACCATGCTTAAAAGGGAGATGAAGCCAGAAAGTGACAGGCCACGGAAAGTCCGGTTTCGG[A>G]TCGCGTCCTCTCACAGTGGGCGAGTTCTGAAGGAAGTGTATGAAGATGGGCAACCGTCAG-3'
Protein context (NP_001073945.1, residues 10-30): SDRPRKVRFR[Ile20Val]ASSHSGRVLK